The following is an entry in ClinVar:

NM_000169.3(GLA):c.369+4A>T

Genes: GLA (galactosidase alpha; minus strand), RPL36A-HNRNPH2 (RPL36A-HNRNPH2 readthrough; plus strand). Cytogenetic location: Xq22.1.
Variant type: single nucleotide variant.
Coding change: c.369+4A>T on transcript NM_000169.3 (MANE Select); 4 bases into the intron after coding-DNA position 369, A replaced by T.
Molecular consequence: intron variant.
Genome position (GRCh38, 1-based): chrX:101,403,807, T>A on the plus strand (A>T on the coding strand, the complement: GLA is on the minus strand). VCF-style: chrX-101403807-T-A. GRCh37 (hg19) VCF-style: chrX-100658795-T-A.
Other names: c.301-8129T>A (NM_001199973.2); c.178-8129T>A (NM_001199974.2); c.492+4A>T (NM_001406747.1, NM_001406749.1); c.369+4A>T (NM_001406748.1).
Identifiers: ClinVar variation 1733957 (VCV001733957.7), dbSNP rs782600529, ClinGen allele CA030795.

ClinVar aggregate classification (germline): Uncertain significance. Review status: criteria provided, multiple submitters, no conflicts (2 of 4 stars). 4 submissions from 4 submitters: Uncertain significance (4). Last evaluated 2026-09-08.

Conditions:
Cardiovascular phenotype. Identifiers: MedGen CN230736.
Fabry disease. Also called: Fabry's disease; ALPHA-GALACTOSIDASE A DEFICIENCY; ANDERSON-FABRY DISEASE; CERAMIDE TRIHEXOSIDASE DEFICIENCY; GLA DEFICIENCY; HEREDITARY DYSTOPIC LIPIDOSIS. Identifiers: Orphanet 324, MedGen C0002986, MONDO:0010526, OMIM 301500, HP:0001071. Disease mechanism: Fabry disease is due to inactivating mutations in the X-linked GLA gene resulting in deficiency of the enzyme Alpha Galactosidase-A., loss of function.

Allele frequency attached by ClinVar (database versions not stated): gnomAD exomes below 0.00001; ExAC 0.00001; gnomAD 0.00001.
gnomAD v4.1: 2 of 1,201,869 alleles (0.00017%); highest among the groups gnomAD compares: East Asian, 0.0059%; no homozygotes.

Submissions (4):

Genomenon, Inc
Classification: Uncertain significance for Fabry disease. Last evaluated: 2026-09-08. Review status: criteria provided, single submitter. Criteria: Genomenon Sequence Variant Interpretation Standards - Updated. Collection method: curation. Allele origin: germline. Affected: no.
Comment: GLA c.369+4A>T is an intronic variant located in the donor splice region of intron 2. This variant has been reported in the published literature (PMID:39336803). It is absent or not present at a significant frequency in gnomAD. In silico models predict that this variant is possibly or probably damaging. In conclusion, we classify GLA c.369+4A>T as a variant of uncertain significance.

All of Us Research Program, National Institutes of Health
Classification: Uncertain significance for Fabry disease. Last evaluated: 2024-07-10. Review status: criteria provided, single submitter. Criteria: ACMG Guidelines, 2015. Collection method: clinical testing. Allele origin: germline. Inheritance: X-linked inheritance. Observed: 1 variant allele, 1 heterozygote.
Comment: This variant causes an A to T nucleotide substitution at the +4 position of intron 2 of the GLA gene. Splice site prediction tools are inconclusive regarding the impact of this variant on RNA splicing. To our knowledge, RNA studies have not been reported for this variant. This variant has not been reported in individuals affected with GLA-related disorders in the literature. This variant has been identified in 3/182894 chromosomes in the general population by the Genome Aggregation Database (gnomAD); two out of three East Asian individuals were hemizygous for this variant. The available evidence is insufficient to determine the role of this variant in disease conclusively. Therefore, this variant is classified as a Variant of Uncertain Significance.

This study involves interpretation of variants in research participants for the purpose of population health screening. Participant phenotype was not available at the time of variant classification. Additional details can be found in publication PMID: 35346344, PMCID: PMC8962531

Labcorp Genetics (formerly Invitae), Labcorp
Classification: Uncertain significance for Fabry disease. Last evaluated: 2022-07-17. Review status: criteria provided, single submitter. Criteria: Invitae Variant Classification Sherloc (09022015). Collection method: clinical testing. Allele origin: germline.
Comment: This sequence change falls in intron 2 of the GLA gene. It does not directly change the encoded amino acid sequence of the GLA protein. It affects a nucleotide within the consensus splice site. This variant is present in population databases (rs782600529, gnomAD 0.02%). This variant has not been reported in the literature in individuals affected with GLA-related conditions. Variants that disrupt the consensus splice site are a relatively common cause of aberrant splicing (PMID: 17576681, 9536098). Algorithms developed to predict the effect of sequence changes on RNA splicing suggest that this variant may disrupt the consensus splice site. In summary, the available evidence is currently insufficient to determine the role of this variant in disease. Therefore, it has been classified as a Variant of Uncertain Significance.

Ambry Genetics
Classification: Uncertain significance for Cardiovascular phenotype. Last evaluated: 2021-04-14. Review status: criteria provided, single submitter. Criteria: Ambry Variant Classification Scheme 2023. Collection method: clinical testing. Allele origin: germline.
Comment: The c.369+4A>T intronic variant results from an A to T substitution 4 nucleotides after coding exon 2 in the GLA gene. Based on data from gnomAD, the T allele has an overall frequency of 0.001% (3/182894) total alleles studied, with 2 hemizygotes observed. The highest observed frequency was 0.02% (3/13861) of East Asian alleles. This nucleotide position is highly conserved in available vertebrate species. In silico splice site analysis for this alteration is inconclusive. Since supporting evidence is limited at this time, the clinical significance of this alteration remains unclear.

Literature cited by the submitters: PubMed 39336803 (cited by Genomenon, Inc); PubMed 17576681 (cited by Labcorp Genetics (formerly Invitae), Labcorp); PubMed 9536098 (cited by Labcorp Genetics (formerly Invitae), Labcorp).